The following is an entry in ClinVar:

ClinVar aggregate classification (germline): Uncertain significance (1 of 4 stars; one submission).

Conditions:
Charcot-Marie-Tooth disease axonal type 2P. Also called: CHARCOT-MARIE-TOOTH NEUROPATHY, TYPE 2P; Charcot-Marie-Tooth Neuropathy Type 2G; CHARCOT-MARIE-TOOTH DISEASE, AXONAL, TYPE 2G; CMT 2G. Identifiers: Orphanet 300319, Orphanet 99941, MedGen C3280797, MONDO:0013753, OMIM 614436.

Allele frequency attached by ClinVar (database versions not stated): gnomAD 0.00001; TOPMed 0.00001.
gnomAD v4.1: 1 of 1,556,314 alleles (0.000064%); highest among the groups gnomAD compares: African/African-American, 0.0014%; no homozygotes.

Submission:

Labcorp Genetics (formerly Invitae), Labcorp
Classification: Uncertain significance for Charcot-Marie-Tooth disease axonal type 2P. Last evaluated: 2024-08-21. Review status: criteria provided, single submitter. Criteria: Invitae Variant Classification Sherloc (09022015). Collection method: clinical testing. Allele origin: germline.
Comment: This sequence change replaces isoleucine, which is neutral and non-polar, with methionine, which is neutral and non-polar, at codon 364 of the LRSAM1 protein (p.Ile364Met). This variant is present in population databases (no rsID available, gnomAD 0.01%). This variant has not been reported in the literature in individuals affected with LRSAM1-related conditions. Invitae Evidence Modeling of protein sequence and biophysical properties (such as structural, functional, and spatial information, amino acid conservation, physicochemical variation, residue mobility, and thermodynamic stability) indicates that this missense variant is not expected to disrupt LRSAM1 protein function with a negative predictive value of 80%. In summary, the available evidence is currently insufficient to determine the role of this variant in disease. Therefore, it has been classified as a Variant of Uncertain Significance.

NM_001005373.4(LRSAM1):c.1092A>G (p.Ile364Met)

Gene: LRSAM1 (leucine rich repeat and sterile alpha motif containing 1; plus strand). Cytogenetic location: 9q33.3.
Variant type: single nucleotide variant.
Coding change: c.1092A>G on transcript NM_001005373.4 (MANE Select); coding-DNA position 1092, A replaced by G.
Protein change: p.Ile364Met; replaces isoleucine 364 with methionine.
Molecular consequence: missense variant. On other transcripts: non-coding transcript variant (2).
Genome position (GRCh38, 1-based): chr9:127,482,953, A>G. VCF-style: chr9-127482953-A-G. GRCh37 (hg19) VCF-style: chr9-130245232-A-G.
Other names: c.1092A>G, p.Ile364Met (NM_001005374.4, NM_001190723.3, NM_001384142.1 and 2 more transcripts); c.303A>G, p.Ile101Met (NM_001384144.1); short protein forms I101M, I364M.
Identifiers: ClinVar variation 2740207 (VCV002740207.3), dbSNP rs1056512960, ClinGen allele CA199849229.